The following is an entry in ClinVar:

NM_138694.4(PKHD1):c.3734C>T (p.Ala1245Val)

Gene: PKHD1 (PKHD1 ciliary IPT domain containing fibrocystin/polyductin; minus strand). Cytogenetic location: 6p12.2.
Variant type: single nucleotide variant.
Coding change: c.3734C>T on transcript NM_138694.4 (MANE Select); coding-DNA position 3734, C replaced by T.
Protein change: p.Ala1245Val; replaces alanine 1245 with valine.
Molecular consequence: missense variant.
Genome position (GRCh38, 1-based): chr6:52,026,076, G>A on the plus strand (C>T on the coding strand, the complement: PKHD1 is on the minus strand). VCF-style: chr6-52026076-G-A. GRCh37 (hg19) VCF-style: chr6-51890874-G-A.
Other names: c.3734C>T, p.Ala1245Val (NM_170724.3); short protein forms A1245V.
Identifiers: ClinVar variation 911088 (VCV000911088.8), dbSNP rs140815495, ClinGen allele CA3852853.

ClinVar aggregate classification (germline): Conflicting classifications of pathogenicity. Review status: criteria provided, conflicting classifications (1 of 4 stars). 4 submissions from 4 submitters: Uncertain significance (3); Likely benign (1). Last evaluated 2025-12-26.

Conditions:
Polycystic kidney disease 4 (PKD4). Also called: POLYCYSTIC KIDNEY DISEASE 4 WITH OR WITHOUT POLYCYSTIC LIVER DISEASE; POLYCYSTIC KIDNEY AND HEPATIC DISEASE 1; POLYCYSTIC KIDNEY DISEASE, INFANTILE, TYPE I; PKD3; Autosomal Recessive Polycystic Kidney Disease – PKHD1. Identifiers: MedGen C4540575, MONDO:0033004, OMIM 263200.
Inborn genetic diseases. Identifiers: MedGen C0950123, MeSH D030342.
PKHD1-related disorder. Also called: PKHD1-related condition.
Autosomal recessive polycystic kidney disease (ARPKD). Also called: AR polycystic kidney disease. Identifiers: Orphanet 731, Orphanet 8378, MedGen C0085548, MeSH D017044, MONDO:0009889.

Allele frequency attached by ClinVar (database versions not stated): TOPMed 0.00002; ESP Exome Variant Server 0.00008.
gnomAD v4.1: 34 of 1,613,986 alleles (0.0021%); highest among the groups gnomAD compares: South Asian, 0.012%; no homozygotes.

Submissions (4):

PreventionGenetics, part of Exact Sciences
Classification: Uncertain significance for PKHD1-related condition. Last evaluated: 2025-12-26. Review status: criteria provided, single submitter. Criteria: ACMG Guidelines, 2015. Collection method: clinical testing. Allele origin: germline.
Comment: The PKHD1 c.3734C>T variant is predicted to result in the amino acid substitution p.Ala1245Val. To our knowledge, this variant has not been reported in individuals with PKHD1-related disorders. This variant is reported in 0.020% of alleles in individuals of South Asian descent in gnomAD. At this time, the clinical significance of this variant is uncertain due to the absence of conclusive functional and genetic evidence.

Ambry Genetics
Classification: Likely benign for Inborn genetic diseases. Last evaluated: 2025-12-03. Review status: criteria provided, single submitter. Criteria: Ambry Variant Classification Scheme 2023. Collection method: clinical testing. Allele origin: germline.

Revvity Omics, Revvity
Classification: Uncertain significance for Polycystic kidney disease 4. Last evaluated: 2019-08-21. Review status: criteria provided, single submitter. Criteria: ACMG Guidelines, 2015. Collection method: clinical testing. Allele origin: germline.

Illumina Laboratory Services, Illumina
Classification: Uncertain significance for Polycystic kidney disease 4. Last evaluated: 2017-11-20. Review status: criteria provided, single submitter. Criteria: ICSL Variant Classification Criteria 13 December 2019. Collection method: clinical testing. Allele origin: germline.